The following is an entry in ClinVar:

NM_000161.3(GCH1):c.439C>T (p.Pro147Ser)

Gene: GCH1 (GTP cyclohydrolase 1; minus strand). Cytogenetic location: 14q22.2.
Variant type: single nucleotide variant.
Coding change: c.439C>T on transcript NM_000161.3 (MANE Select); coding-DNA position 439, C replaced by T.
Protein change: p.Pro147Ser; replaces proline 147 with serine.
Molecular consequence: missense variant.
Genome position (GRCh38, 1-based): chr14:54,865,341, G>A on the plus strand (C>T on the coding strand, the complement: GCH1 is on the minus strand). VCF-style: chr14-54865341-G-A. GRCh37 (hg19) VCF-style: chr14-55332059-G-A.
Other names: c.439C>T, p.Pro147Ser (NM_001024024.2, NM_001024070.2, NM_001024071.2 and 1 more transcripts); c.145C>T, p.Pro49Ser (NM_001424105.1); short protein forms P147S, P49S.
Identifiers: ClinVar variation 3571659 (VCV003571659.1).

ClinVar aggregate classification (germline): Uncertain significance (1 of 4 stars; one submission).

Submission:

Athena Diagnostics
Classification: Uncertain significance. Last evaluated: 2024-03-01. Review status: criteria provided, single submitter. Criteria: Athena Diagnostics Criteria. Collection method: clinical testing. Allele origin: unknown.
Comment: Available data are insufficient to determine the clinical significance of the variant at this time. This variant has not been reported in large, multi-ethnic general populations. Computational tools predict that this variant is damaging.